The following is an entry in ClinVar:

NM_001369268.1(ACAN):c.1004C>T (p.Thr335Met)

Gene: ACAN (aggrecan; plus strand). Cytogenetic location: 15q26.1.
Variant type: single nucleotide variant.
Coding change: c.1004C>T on transcript NM_001369268.1 (MANE Select); coding-DNA position 1004, C replaced by T.
Protein change: p.Thr335Met; replaces threonine 335 with methionine.
Molecular consequence: missense variant.
Genome position (GRCh38, 1-based): chr15:88,843,601, C>T. VCF-style: chr15-88843601-C-T. GRCh37 (hg19) VCF-style: chr15-89386832-C-T.
Other names: c.1004C>T, p.Thr335Met (NM_001135.4, NM_013227.4); c.1004C>T (NM_013227.3); short protein forms T335M.
Identifiers: ClinVar variation 1500123 (VCV001500123.11), dbSNP rs370865297, ClinGen allele CA7719419.
Genomic context (GRCh38, chr15:88,843,601, plus strand): 5'-GGCCCAACTGCGGTGGCAACCTCCTGGGCGTGAGGACCGTCTACGTGCATGCCAACCAGA[C>T]GGGCTACCCCGACCCCTCATCCCGCTACGACGCCATCTGCTACACAGGTGGGGCACGGCT-3'
Protein context (NP_001356197.1, residues 325-345): VRTVYVHANQ[Thr335Met]GYPDPSSRYD

ClinVar aggregate classification (germline): Uncertain significance. Review status: criteria provided, multiple submitters, no conflicts (2 of 4 stars). 3 submissions from 3 submitters: Uncertain significance (3). Last evaluated 2025-09-20.

Conditions:
Inborn genetic diseases. Identifiers: MedGen C0950123, MeSH D030342.

Allele frequency attached by ClinVar (database versions not stated): ExAC 0.00003; gnomAD exomes 0.00004 and 0.00005; TOPMed 0.00004; gnomAD 0.00005; ESP Exome Variant Server 0.00016.
gnomAD v4.1: 76 of 1,598,536 alleles (0.0048%); highest among the groups gnomAD compares: Middle Eastern, 0.033%; no homozygotes.

Submissions (3):

Labcorp Genetics (formerly Invitae), Labcorp
Classification: Uncertain significance. Last evaluated: 2025-09-20. Review status: criteria provided, single submitter. Criteria: Invitae Variant Classification Sherloc (09022015). Collection method: clinical testing. Allele origin: germline.
Comment: This sequence change replaces threonine, which is neutral and polar, with methionine, which is neutral and non-polar, at codon 335 of the ACAN protein (p.Thr335Met). This variant is present in population databases (rs370865297, gnomAD 0.008%). This variant has not been reported in the literature in individuals affected with ACAN-related conditions. ClinVar contains an entry for this variant (Variation ID: 1500123). Invitae Evidence Modeling of protein sequence and biophysical properties (such as structural, functional, and spatial information, amino acid conservation, physicochemical variation, residue mobility, and thermodynamic stability) indicates that this missense variant is not expected to disrupt ACAN protein function with a negative predictive value of 80%. In summary, the available evidence is currently insufficient to determine the role of this variant in disease. Therefore, it has been classified as a Variant of Uncertain Significance.

Ambry Genetics
Classification: Uncertain significance for Inborn genetic diseases. Last evaluated: 2023-09-13. Review status: criteria provided, single submitter. Criteria: Ambry Variant Classification Scheme 2023. Collection method: clinical testing. Allele origin: germline.

Blueprint Genetics
Classification: Uncertain significance. Last evaluated: 2021-07-20. Review status: criteria provided, single submitter. Criteria: ACMG Guidelines, 2015. Collection method: clinical testing. Allele origin: germline.